The following continues an entry in ClinVar:

NM_000051.4(ATM):c.7375C>T (p.Arg2459Cys)

ClinVar aggregate classification (germline): Conflicting classifications of pathogenicity. Uncertain significance (15); Likely benign (3).

Submissions 13 to 21 of 21:

Color Diagnostics, LLC DBA Color Health
Classification: Uncertain significance for Hereditary cancer-predisposing syndrome. Last evaluated: 2023-08-29. Review status: criteria provided, single submitter. Criteria: ACMG Guidelines, 2015. Collection method: clinical testing. Allele origin: germline.
Comment: This missense variant replaces arginine with cysteine at codon 2459 of the ATM protein. Computational prediction suggests that this variant may have deleterious impact on protein structure and function (internally defined REVEL score threshold >= 0.7, PMID: 27666373). To our knowledge, functional studies have not been performed for this variant. This variant has been observed in individuals affected with breast cancer (PMID: 29522266, 32658311, 33471991) and in an individual affected with chronic lymphocytic leukemia who also has a pathogenic ATM covariant (PMID: 19018867). This variant has also been observed in two healthy controls from a chronic lymphocytic leukemia case-control study (PMID: 28652578). This variant has been identified in 10/282668 chromosomes in the general population by the Genome Aggregation Database (gnomAD). The available evidence is insufficient to determine the role of this variant in disease conclusively. Therefore, this variant is classified as a Variant of Uncertain Significance.

CHEO Genetics Diagnostic Laboratory, Children's Hospital of Eastern Ontario
Classification: Uncertain significance for Breast and/or ovarian cancer. Last evaluated: 2023-04-18. Review status: criteria provided, single submitter. Criteria: ACMG Guidelines, 2015. Collection method: clinical testing. Allele origin: germline.

Revvity Omics, Revvity
Classification: Uncertain significance for Ataxia-telangiectasia syndrome. Last evaluated: 2023-03-22. Review status: criteria provided, single submitter. Criteria: ACMG Guidelines, 2015. Collection method: clinical testing. Allele origin: germline.

Department of Pathology and Laboratory Medicine, Sinai Health System
Classification: Uncertain significance for Familial cancer of breast. Last evaluated: 2023-02-10. Review status: criteria provided, single submitter. Criteria: ACMG Guidelines, 2015. Collection method: clinical testing. Allele origin: germline. Affected: yes.

MGZ Medical Genetics Center
Classification: Uncertain significance for Familial cancer of breast. Last evaluated: 2021-12-23. Review status: criteria provided, single submitter. Criteria: ACMG Guidelines, 2015. Collection method: clinical testing. Allele origin: germline. Affected: yes. Observed: 1 variant allele.
Comment: ACMG criteria applied: PS4_MOD, PM2_SUP, PP3

Sema4
Classification: Uncertain significance for Hereditary cancer-predisposing syndrome. Last evaluated: 2021-12-18. Review status: criteria provided, single submitter. Criteria: Sema4 Curation Guidelines. Collection method: curation. Allele origin: germline.
Comment: The ATM c.7375C>T (p.R2459C) variant has been reported in individuals with breast and/or ovarian cancer and prostate cancer (PMID: 29752822, 33436325, 29522266, 32658311). It has also been reported in a large breast cancer case-control study in 1/60466 cases and 0/53461 controls (PMID: 33471991). It was observed in 2/19928 chromosomes in the East Asian subpopulation in the large and broad cohorts of the Genome Aggregation Database (PMID: 32461654). This variant has been reported in ClinVar (Variation ID: 185845). In silico tools suggest the impact of the variant on protein function is deleterious, though these predictions have not been confirmed by functional studies. The overall evidence is insufficient to meet ACMG/AMP criteria for classifying the variant as benign or pathogenic. Thus, the clinical significance of this variant is currently uncertain.

Natera, Inc.
Classification: Uncertain significance for Ataxia-telangiectasia. Last evaluated: 2020-09-16. Review status: no assertion criteria provided. Collection method: clinical testing. Allele origin: germline. Not counted in ClinVar's aggregate classification.

Diagnostic Laboratory, Department of Genetics, University Medical Center Groningen
Classification: Uncertain significance. Review status: no assertion criteria provided. Collection method: clinical testing. Allele origin: germline. Affected: yes. Study: VKGL Data-share Consensus. Not counted in ClinVar's aggregate classification.

Joint Genome Diagnostic Labs from Nijmegen and Maastricht, Radboudumc and MUMC+
Classification: Uncertain significance. Review status: no assertion criteria provided. Collection method: clinical testing. Allele origin: germline. Affected: yes. Study: VKGL Data-share Consensus. Not counted in ClinVar's aggregate classification.

Literature cited by the submitters: PubMed 29522266 (cited by 5 submitters); PubMed 29752822 (cited by 3 submitters); PubMed 32658311 (cited by 5 submitters); PubMed 33436325 (cited by 3 submitters); PubMed 39052144 (cited by Labcorp Genetics (formerly Invitae), Labcorp); PubMed 23585524 (cited by 3 submitters); PubMed 28652578 (cited by 3 submitters); PubMed 19018867 (cited by 4 submitters); PubMed 34284872 (cited by Women's Health and Genetics/Laboratory Corporation of America, LabCorp); PubMed 27479817 (cited by Ambry Genetics); PubMed 25085752 (cited by Myriad Genetics, Inc.); PubMed 33471991 (cited by Color Diagnostics, LLC DBA Color Health and Sema4); PubMed 28135145 (cited by Department of Pathology and Laboratory Medicine, Sinai Health System).